The following is an entry in ClinVar:

ClinVar aggregate classification (germline): Uncertain significance (1 of 4 stars; one submission).

Conditions:
Cystic fibrosis (CF). Also called: MUCOVISCIDOSIS. Identifiers: Orphanet 586, MedGen C0010674, MONDO:0009061, OMIM 219700. Disease mechanism: loss of function.

Submission:

Ambry Genetics
Classification: Uncertain significance for Cystic fibrosis. Last evaluated: 2024-07-24. Review status: criteria provided, single submitter. Criteria: Ambry Variant Classification Scheme 2023. Collection method: clinical testing. Allele origin: germline.
Comment: The p.D639G variant (also known as c.1916A>G), located in coding exon 14 of the CFTR gene, results from an A to G substitution at nucleotide position 1916. The aspartic acid at codon 639 is replaced by glycine, an amino acid with similar properties. This amino acid position is conserved. In addition, this alteration is predicted to be deleterious by in silico analysis. Based on the available evidence, the clinical significance of this variant remains unclear.

NM_000492.4(CFTR):c.1916A>G (p.Asp639Gly)

Gene: CFTR (CF transmembrane conductance regulator; plus strand). Cytogenetic location: 7q31.2.
Variant type: single nucleotide variant.
Coding change: c.1916A>G on transcript NM_000492.4 (MANE Select); coding-DNA position 1916, A replaced by G.
Protein change: p.Asp639Gly; replaces aspartic acid 639 with glycine.
Molecular consequence: missense variant.
Genome position (GRCh38, 1-based): chr7:117,592,083, A>G. VCF-style: chr7-117592083-A-G. GRCh37 (hg19) VCF-style: chr7-117232137-A-G.
Other names: short protein forms D639G.
Identifiers: ClinVar variation 3491637 (VCV003491637.1).